The following is an entry in ClinVar:

NM_005051.3(QARS1):c.1571G>T (p.Arg524Leu)

Gene: QARS1 (glutaminyl-tRNA synthetase 1; minus strand). Cytogenetic location: 3p21.31.
Variant type: single nucleotide variant.
Coding change: c.1571G>T on transcript NM_005051.3 (MANE Select); coding-DNA position 1571, G replaced by T.
Protein change: p.Arg524Leu; replaces arginine 524 with leucine.
Molecular consequence: missense variant. On other transcripts: non-coding transcript variant (1).
Genome position (GRCh38, 1-based): chr3:49,099,387, C>A on the plus strand (G>T on the coding strand, the complement: QARS1 is on the minus strand). VCF-style: chr3-49099387-C-A. GRCh37 (hg19) VCF-style: chr3-49136820-C-A.
Other names: c.1538G>T, p.Arg513Leu (NM_001272073.2); short protein forms R513L, R524L.
Identifiers: ClinVar variation 1498950 (VCV001498950.8), dbSNP rs767053528, ClinGen allele CA352704953.

ClinVar aggregate classification (germline): Uncertain significance (1 of 4 stars; one submission).

Conditions:
Diffuse cerebral and cerebellar atrophy - intractable seizures - progressive microcephaly syndrome. Also called: Microcephaly, progressive, with seizures and cerebral and cerebellar atrophy. Identifiers: Orphanet 404437, MedGen C4014239, MONDO:0014335, OMIM 615760.

Submission:

Labcorp Genetics (formerly Invitae), Labcorp
Classification: Uncertain significance for Diffuse cerebral and cerebellar atrophy - intractable seizures - progressive microcephaly syndrome. Last evaluated: 2024-02-17. Review status: criteria provided, single submitter. Criteria: Invitae Variant Classification Sherloc (09022015). Collection method: clinical testing. Allele origin: germline.
Comment: This sequence change replaces arginine, which is basic and polar, with leucine, which is neutral and non-polar, at codon 524 of the QARS protein (p.Arg524Leu). This variant is not present in population databases (gnomAD no frequency). This variant has not been reported in the literature in individuals affected with QARS-related conditions. ClinVar contains an entry for this variant (Variation ID: 1498950). Advanced modeling of protein sequence and biophysical properties (such as structural, functional, and spatial information, amino acid conservation, physicochemical variation, residue mobility, and thermodynamic stability) has been performed at Invitae for this missense variant, however the output from this modeling did not meet the statistical confidence thresholds required to predict the impact of this variant on QARS protein function. In summary, the available evidence is currently insufficient to determine the role of this variant in disease. Therefore, it has been classified as a Variant of Uncertain Significance.